The following is an entry in ClinVar:

ClinVar aggregate classification (germline): Uncertain significance (1 of 4 stars; one submission).

Conditions:
Epidermolysis bullosa simplex with nail dystrophy (EBS5D). Identifiers: MedGen C4225309, MONDO:0014661, OMIM 616487.
Epidermolysis bullosa simplex, Ogna type (EBS5A). Also called: Pidermolysis bullosa simplex 5A, Ogna type; EPIDERMOLYSIS BULLOSA SIMPLEX 5A, OGNA TYPE. Identifiers: Orphanet 79401, MedGen C0432317, MONDO:0007555, OMIM 131950.
Autosomal recessive limb-girdle muscular dystrophy type 2Q (LGMDR17). Also called: MUSCULAR DYSTROPHY, LIMB-GIRDLE, AUTOSOMAL RECESSIVE 17. Identifiers: Orphanet 254361, MedGen C3150989, MONDO:0013390, OMIM 613723.
Epidermolysis bullosa simplex 5B, with muscular dystrophy (EBS5B). Also called: EPIDERMOLYSIS BULLOSA SIMPLEX AND LIMB-GIRDLE MUSCULAR DYSTROPHY; Epidermolysis bullosa simplex with muscular dystrophy. Identifiers: Orphanet 257, MedGen C2931072, MONDO:0009181, OMIM 226670.
Epidermolysis bullosa simplex 5C, with pyloric atresia (EBS5C). Also called: PLEC-Related Epidermolysis Bullosa with Pyloric Atresia; Epidermolysis bullosa simplex with pyloric atresia; PLEC1-Related Epidermolysis Bullosa with Pyloric Atresia. Identifiers: Orphanet 158684, MedGen C2677349, MONDO:0012807, OMIM 612138.

Submission:

Labcorp Genetics (formerly Invitae), Labcorp
Classification: Uncertain significance for Autosomal recessive limb-girdle muscular dystrophy type 2Q; Epidermolysis bullosa simplex, Ogna type; Epidermolysis bullosa simplex with nail dystrophy; Epidermolysis bullosa simplex 5C, with pyloric atresia; Epidermolysis bullosa simplex 5B, with muscular dystrophy. Last evaluated: 2023-01-28. Review status: criteria provided, single submitter. Criteria: Invitae Variant Classification Sherloc (09022015). Collection method: clinical testing. Allele origin: germline.
Comment: In summary, the available evidence is currently insufficient to determine the role of this variant in disease. Therefore, it has been classified as a Variant of Uncertain Significance. Advanced modeling of protein sequence and biophysical properties (such as structural, functional, and spatial information, amino acid conservation, physicochemical variation, residue mobility, and thermodynamic stability) performed at Invitae indicates that this missense variant is not expected to disrupt PLEC protein function. This variant has not been reported in the literature in individuals affected with PLEC-related conditions. This variant is not present in population databases (gnomAD no frequency). This sequence change replaces lysine, which is basic and polar, with asparagine, which is neutral and polar, at codon 4011 of the PLEC protein (p.Lys4011Asn).

NM_201384.3(PLEC):c.11952G>C (p.Lys3984Asn)

Gene: PLEC (plectin; minus strand). Cytogenetic location: 8q24.3.
Variant type: single nucleotide variant.
Coding change: c.11952G>C on transcript NM_201384.3 (MANE Select); coding-DNA position 11952, G replaced by C.
Protein change: p.Lys3984Asn; replaces lysine 3984 with asparagine.
Molecular consequence: missense variant.
Genome position (GRCh38, 1-based): chr8:143,917,869, C>G on the plus strand (G>C on the coding strand, the complement: PLEC is on the minus strand). VCF-style: chr8-143917869-C-G. GRCh37 (hg19) VCF-style: chr8-144992037-C-G.
Other names: c.12033G>C, p.Lys4011Asn (NM_000445.5); c.8652G>C, p.Lys2884Asn (NM_001410941.1); c.11910G>C, p.Lys3970Asn (NM_201378.4); c.11886G>C, p.Lys3962Asn (NM_201379.3); c.12363G>C, p.Lys4121Asn (NM_201380.4); c.11856G>C, p.Lys3952Asn (NM_201381.3); c.11952G>C, p.Lys3984Asn (NM_201382.4); c.11964G>C, p.Lys3988Asn (NM_201383.3); short protein forms K3952N, K4121N, K4011N, K2884N, K3988N, K3962N, K3970N, K3984N.
Identifiers: ClinVar variation 2943707 (VCV002943707.3), dbSNP rs371941789, ClinGen allele CA372487130.